The following is an entry in ClinVar:

NM_003628.6(PKP4):c.1373G>C (p.Ser458Thr)

Gene: PKP4 (plakophilin 4; plus strand). Cytogenetic location: 2q24.1.
Variant type: single nucleotide variant.
Coding change: c.1373G>C on transcript NM_003628.6 (MANE Select); coding-DNA position 1373, G replaced by C.
Protein change: p.Ser458Thr; replaces serine 458 with threonine.
Molecular consequence: missense variant.
Genome position (GRCh38, 1-based): chr2:158,634,100, G>C. VCF-style: chr2-158634100-G-C. GRCh37 (hg19) VCF-style: chr2-159490612-G-C.
Other names: c.1373G>C, p.Ser458Thr (NM_001005476.4, NM_001304971.2, NM_001377218.1 and 1 more transcripts); c.1370G>C, p.Ser457Thr (NM_001304969.3, NM_001377219.1, NM_001377220.1 and 2 more transcripts); c.344G>C, p.Ser115Thr (NM_001304970.3); c.1367G>C, p.Ser456Thr (NM_001377222.1, NM_001377223.1); c.1364G>C, p.Ser455Thr (NM_001377224.1); short protein forms S456T, S457T, S455T, S115T, S458T.
Identifiers: ClinVar variation 2448027 (VCV002448027.3), dbSNP rs1379452583, ClinGen allele CA348909175.

ClinVar aggregate classification (germline): Uncertain significance (1 of 4 stars; one submission).

Allele frequency attached by ClinVar (database versions not stated): TOPMed below 0.00001.
gnomAD v4.1: 5 of 1,613,254 alleles (0.00031%); highest among the groups gnomAD compares: Non-Finnish European, 0.00042%; no homozygotes.

Submission:

Ambry Genetics
Classification: Uncertain significance. Last evaluated: 2025-06-22. Review status: criteria provided, single submitter. Criteria: Ambry Variant Classification Scheme 2023. Collection method: clinical testing. Allele origin: germline.
Comment: The p.S458T variant (also known as c.1373G>C), located in coding exon 8 of the PKP4 gene, results from a G to C substitution at nucleotide position 1373. The serine at codon 458 is replaced by threonine, an amino acid with similar properties. This amino acid position is conserved. In addition, the in silico prediction for this alteration is inconclusive. Since supporting evidence is limited at this time, the clinical significance of this alteration remains unclear.